The following is an entry in ClinVar:

ClinVar aggregate classification (germline): Uncertain significance. Review status: criteria provided, multiple submitters, no conflicts (2 of 4 stars). 2 submissions from 2 submitters: Uncertain significance (2). Last evaluated 2026-01-10.

Conditions:
Hereditary cancer-predisposing syndrome. Also called: Hereditary Cancer Syndrome; Hereditary neoplastic syndrome; Tumor predisposition; Neoplastic Syndromes, Hereditary. Identifiers: Orphanet 140162, MedGen C0027672, MeSH D009386, MONDO:0015356.
Gorlin syndrome. Also called: Basal cell nevus syndrome; Nevoid Basal Cell Carcinoma Syndrome. Identifiers: Orphanet 377, MedGen C0004779, MONDO:0007187.
Medulloblastoma (MDB). Also called: Medulloblastoma, somatic; MEDULLOBLASTOMA PREDISPOSITION SYNDROME. Identifiers: Orphanet 616, MedGen C0025149, MeSH D008527, MONDO:0007959, OMIM 155255, HP:0002885.

Submissions (2):

Labcorp Genetics (formerly Invitae), Labcorp
Classification: Uncertain significance for Gorlin syndrome; Medulloblastoma. Last evaluated: 2026-01-10. Review status: criteria provided, single submitter. Criteria: Invitae Variant Classification Sherloc (09022015). Collection method: clinical testing. Allele origin: germline.
Comment: This sequence change replaces serine, which is neutral and polar, with phenylalanine, which is neutral and non-polar, at codon 301 of the SUFU protein (p.Ser301Phe). This variant is not present in population databases (gnomAD no frequency). This variant has not been reported in the literature in individuals affected with SUFU-related conditions. ClinVar contains an entry for this variant (Variation ID: 453983). Invitae Evidence Modeling of protein sequence and biophysical properties (such as structural, functional, and spatial information, amino acid conservation, physicochemical variation, residue mobility, and thermodynamic stability) indicates that this missense variant is not expected to disrupt SUFU protein function with a negative predictive value of 80%. In summary, the available evidence is currently insufficient to determine the role of this variant in disease. Therefore, it has been classified as a Variant of Uncertain Significance.

Ambry Genetics
Classification: Uncertain significance for Hereditary cancer-predisposing syndrome. Last evaluated: 2025-10-01. Review status: criteria provided, single submitter. Criteria: Ambry Variant Classification Scheme 2023. Collection method: clinical testing. Allele origin: germline.
Comment: The p.S301F variant (also known as c.902C>T), located in coding exon 7 of the SUFU gene, results from a C to T substitution at nucleotide position 902. The serine at codon 301 is replaced by phenylalanine, an amino acid with highly dissimilar properties. This amino acid position is highly conserved in available vertebrate species. In addition, this alteration is predicted to be deleterious by in silico analysis. Since supporting evidence is limited at this time, the clinical significance of this alteration remains unclear.

NM_016169.4(SUFU):c.902C>T (p.Ser301Phe)

Gene: SUFU (SUFU negative regulator of hedgehog signaling; plus strand). Cytogenetic location: 10q24.32.
Variant type: single nucleotide variant.
Coding change: c.902C>T on transcript NM_016169.4 (MANE Select); coding-DNA position 902, C replaced by T.
Protein change: p.Ser301Phe; replaces serine 301 with phenylalanine.
Molecular consequence: missense variant.
Genome position (GRCh38, 1-based): chr10:102,597,285, C>T. VCF-style: chr10-102597285-C-T. GRCh37 (hg19) VCF-style: chr10-104357042-C-T.
Other names: c.902C>T, p.Ser301Phe (NM_001178133.2); short protein forms S301F.
Identifiers: ClinVar variation 453983 (VCV000453983.14), dbSNP rs1554852823, ClinGen allele CA377910880.
Genomic context (GRCh38, chr10:102,597,285, plus strand): 5'-CCCCCGAGGATGACGAGGACAGCCGGAGCATCTGCATCGGCACACAGCCCCGGCGACTCT[C>T]TGGCAAAGGTGGGAGCCATCACTCAGCATTCCACCAGCCTTCCTCCTTCCTTTTCCCCAG-3'
Protein context (NP_057253.2, residues 291-311): ICIGTQPRRL[Ser301Phe]GKDTEQIRET